The following is an entry in ClinVar:

ClinVar aggregate classification (germline): Uncertain significance (1 of 4 stars; one submission).

Conditions:
CBL-related disorder. Also called: NOONAN SYNDROME-LIKE DISORDER WITHOUT JUVENILE MYELOMONOCYTIC LEUKEMIA; CBL MUTATION-ASSOCIATED SYNDROME; CBL SYNDROME. Identifiers: Orphanet 363972, MedGen C3150803, MONDO:0013308, OMIM 613563.

Submission:

Centre for Mendelian Genomics, University Medical Centre Ljubljana
Classification: Uncertain significance for CBL-related disorder. Last evaluated: 2019-02-28. Review status: criteria provided, single submitter. Criteria: ACMG Guidelines, 2015. Collection method: clinical testing. Allele origin: unknown. Affected: yes.
Comment: This variant was classified as: Uncertain significance. The available evidence on this variant's pathogenicity is insufficient or conflicting. The following ACMG criteria were applied in classifying this variant: PM2,PP3.

NM_005188.4(CBL):c.680C>G (p.Thr227Ser)

Gene: CBL (Cbl proto-oncogene; plus strand). Cytogenetic location: 11q23.3.
Variant type: single nucleotide variant.
Coding change: c.680C>G on transcript NM_005188.4 (MANE Select); coding-DNA position 680, C replaced by G.
Protein change: p.Thr227Ser; replaces threonine 227 with serine.
Molecular consequence: missense variant.
Genome position (GRCh38, 1-based): chr11:119,273,957, C>G. VCF-style: chr11-119273957-C-G. GRCh37 (hg19) VCF-style: chr11-119144667-C-G.
Other names: short protein forms T227S.
Identifiers: ClinVar variation 931971 (VCV000931971.3), dbSNP rs1949868148, ClinGen allele CA382909476.